The following is an entry in ClinVar:

NM_052867.4(NALCN):c.4198G>A (p.Val1400Ile)

Gene: NALCN (sodium leak channel, non-selective; minus strand). Cytogenetic location: 13q32.3.
Variant type: single nucleotide variant.
Coding change: c.4198G>A on transcript NM_052867.4 (MANE Select); coding-DNA position 4198, G replaced by A.
Protein change: p.Val1400Ile; replaces valine 1400 with isoleucine.
Molecular consequence: missense variant.
Genome position (GRCh38, 1-based): chr13:101,068,827, C>T on the plus strand (G>A on the coding strand, the complement: NALCN is on the minus strand). VCF-style: chr13-101068827-C-T. GRCh37 (hg19) VCF-style: chr13-101721179-C-T.
Other names: c.4285G>A, p.Val1429Ile (NM_001350748.2); c.4198G>A, p.Val1400Ile (NM_001350749.2); c.4111G>A, p.Val1371Ile (NM_001350750.2, NM_001350751.2); short protein forms V1371I, V1400I, V1429I.
Identifiers: ClinVar variation 3628156 (VCV003628156.2).

ClinVar aggregate classification (germline): Uncertain significance (1 of 4 stars; one submission).

gnomAD v4.1: 3 of 1,602,856 alleles (0.00019%); highest among the groups gnomAD compares: Admixed American, 0.0017%; no homozygotes.

Submission:

Labcorp Genetics (formerly Invitae), Labcorp
Classification: Uncertain significance. Last evaluated: 2024-11-27. Review status: criteria provided, single submitter. Criteria: Invitae Variant Classification Sherloc (09022015). Collection method: clinical testing. Allele origin: germline.
Comment: This sequence change replaces valine, which is neutral and non-polar, with isoleucine, which is neutral and non-polar, at codon 1400 of the NALCN protein (p.Val1400Ile). This variant is present in population databases (no rsID available, gnomAD 0.007%). This variant has not been reported in the literature in individuals affected with NALCN-related conditions. An algorithm developed to predict the effect of missense changes on protein structure and function (PolyPhen-2) suggests that this variant is likely to be tolerated. Algorithms developed to predict the effect of sequence changes on RNA splicing suggest that this variant may disrupt the consensus splice site. In summary, the available evidence is currently insufficient to determine the role of this variant in disease. Therefore, it has been classified as a Variant of Uncertain Significance.